The following is an entry in ClinVar:

NM_015030.2(FRYL):c.7615G>T (p.Glu2539Ter)

Gene: FRYL (FRY like transcription coactivator; minus strand). Cytogenetic location: 4p11.
Variant type: single nucleotide variant.
Coding change: c.7615G>T on transcript NM_015030.2 (MANE Select); coding-DNA position 7615, G replaced by T.
Protein change: p.Glu2539Ter; replaces glutamic acid 2539 with a stop codon.
Molecular consequence: nonsense.
Genome position (GRCh38, 1-based): chr4:48,521,122, C>A on the plus strand (G>T on the coding strand, the complement: FRYL is on the minus strand). VCF-style: chr4-48521122-C-A. GRCh37 (hg19) VCF-style: chr4-48523139-C-A.
Other names: short protein forms E2539*.
Identifiers: ClinVar variation 4854742 (VCV004854742.1).

ClinVar aggregate classification (germline): Likely pathogenic (1 of 4 stars; one submission).

Conditions:
Pan-Chung-Bellen syndrome. Identifiers: MedGen C5975547, MONDO:0975953, OMIM 621049.

Submission:

3billion
Classification: Likely pathogenic for Pan-Chung-Bellen syndrome. Last evaluated: 2025-11-12. Review status: criteria provided, single submitter. Criteria: ACMG Guidelines, 2015. Collection method: clinical testing. Allele origin: germline. Affected: yes.
Comment: The variant is not observed in the gnomAD v4.1.0 dataset. Predicted Consequence/Location: Stop-gained (nonsense): predicted to result in a loss or disruption of normal protein function through nonsense-mediated decay (NMD) or protein truncation. Multiple pathogenic variants are reported downstream of the variant. Therefore, this variant is classified as Likely pathogenic according to the recommendation of ACMG/AMP guideline.